The following is an entry in ClinVar:

ClinVar aggregate classification (germline): Uncertain significance (1 of 4 stars; one submission).

Conditions:
Myelodysplastic syndrome (MDS). Also called: MYELODYSPLASTIC SYNDROME, SUSCEPTIBILITY TO; Myelodysplastic syndrome, somatic; Myelodysplastic syndromes. Identifiers: Orphanet 52688, MedGen C3463824, MeSH D009190, MONDO:0018881, OMIM 614286.
Bohring-Opitz syndrome. Also called: C-LIKE SYNDROME; BOHRING SYNDROME; OPITZ TRIGONOCEPHALY-LIKE SYNDROME; ASXL1-Related Bohring-Opitz Syndrome. Identifiers: Orphanet 97297, MedGen C0796232, MONDO:0011510, OMIM 605039.

Submission:

Center for Genomics, Ann and Robert H. Lurie Children's Hospital of Chicago
Classification: Uncertain significance for Bohring-Opitz syndrome; Myelodysplastic syndrome. Review status: criteria provided, single submitter. Criteria: ACMG Guidelines, 2015. Collection method: clinical testing. Allele origin: germline.
Comment: ASXL1 NM_015338.5 exon 13 p.Val1101Glu (c.3302T>A):This variant has not been reported in the literature and is not present in large control databases. Evolutionary conservation suggests that this variant may not impact the protein; computational predictive tools for this variant are unclear. In summary, data on this variant is insufficient for disease classification. Therefore, the clinical significance of this variant is uncertain

NM_015338.6(ASXL1):c.3302T>A (p.Val1101Glu)

Gene: ASXL1 (ASXL transcriptional regulator 1; plus strand). Cytogenetic location: 20q11.21.
Variant type: single nucleotide variant.
Coding change: c.3302T>A on transcript NM_015338.6 (MANE Select); coding-DNA position 3302, T replaced by A.
Protein change: p.Val1101Glu; replaces valine 1101 with glutamic acid.
Molecular consequence: missense variant.
Genome position (GRCh38, 1-based): chr20:32,436,014, T>A. VCF-style: chr20-32436014-T-A. GRCh37 (hg19) VCF-style: chr20-31023817-T-A.
Other names: c.3119T>A, p.Val1040Glu (NM_001363734.1); short protein forms V1040E, V1101E.
Identifiers: ClinVar variation 1675100 (VCV001675100.2), dbSNP rs2145379665, ClinGen allele CA408562775.